The following is an entry in ClinVar:

ClinVar aggregate classification (germline): Uncertain significance (1 of 4 stars; one submission).

gnomAD v4.1: 8 of 1,614,008 alleles (0.0005%); highest among the groups gnomAD compares: African/African-American, 0.0093%; no homozygotes.

Submission:

Labcorp Genetics (formerly Invitae), Labcorp
Classification: Uncertain significance. Last evaluated: 2025-02-02. Review status: criteria provided, single submitter. Criteria: Invitae Variant Classification Sherloc (09022015). Collection method: clinical testing. Allele origin: germline.
Comment: This sequence change replaces arginine, which is basic and polar, with glycine, which is neutral and non-polar, at codon 744 of the TRPV6 protein (p.Arg744Gly). This variant is present in population databases (rs368219581, gnomAD 0.008%). This variant has not been reported in the literature in individuals affected with TRPV6-related conditions. An algorithm developed to predict the effect of missense changes on protein structure and function outputs the following: PolyPhen-2: "Not Available". The glycine amino acid residue is found in multiple mammalian species, which suggests that this missense change does not adversely affect protein function. In summary, the available evidence is currently insufficient to determine the role of this variant in disease. Therefore, it has been classified as a Variant of Uncertain Significance.

NM_018646.6(TRPV6):c.2230A>G (p.Arg744Gly)

Gene: TRPV6 (transient receptor potential cation channel subfamily V member 6; minus strand). Cytogenetic location: 7q34.
Variant type: single nucleotide variant.
Coding change: c.2230A>G on transcript NM_018646.6 (MANE Select); coding-DNA position 2230, A replaced by G.
Protein change: p.Arg744Gly; replaces arginine 744 with glycine.
Molecular consequence: missense variant.
Genome position (GRCh38, 1-based): chr7:142,871,775, T>C on the plus strand (A>G on the coding strand, the complement: TRPV6 is on the minus strand). VCF-style: chr7-142871775-T-C. GRCh37 (hg19) VCF-style: chr7-142569528-T-C.
Other names: short protein forms R744G.
Identifiers: ClinVar variation 3696284 (VCV003696284.2).